The following is an entry in ClinVar:

ClinVar aggregate classification (germline): Uncertain significance (1 of 4 stars; one submission).

Submission:

Women's Health and Genetics/Laboratory Corporation of America, LabCorp
Classification: Uncertain significance. Last evaluated: 2025-11-14. Review status: criteria provided, single submitter. Criteria: LabCorp Variant Classification Summary - May 2015. Collection method: clinical testing. Allele origin: germline.
Comment: Variant summary: NPHS1 c.1040G>T (p.Gly347Val) results in a non-conservative amino acid change in the encoded protein sequence. Algorithms developed to predict the effect of missense changes on protein structure and function all suggest that this variant is likely to be disruptive. The variant was absent in 251442 control chromosomes. The available data on variant occurrences in the general population are insufficient to allow any conclusion about variant significance. To our knowledge, no occurrence of c.1040G>T in individuals affected with NPHS1-related conditions and no experimental evidence demonstrating its impact on protein function have been reported. No submitters have cited clinical-significance assessments for this variant to ClinVar. Based on the evidence outlined above, the variant was classified as uncertain significance.

NM_004646.4(NPHS1):c.1040G>T (p.Gly347Val)

Gene: NPHS1 (NPHS1 adhesion molecule, nephrin; minus strand). Cytogenetic location: 19q13.12.
Variant type: single nucleotide variant.
Coding change: c.1040G>T on transcript NM_004646.4 (MANE Select); coding-DNA position 1040, G replaced by T.
Protein change: p.Gly347Val; replaces glycine 347 with valine.
Molecular consequence: missense variant.
Genome position (GRCh38, 1-based): chr19:35,848,767, C>A on the plus strand (G>T on the coding strand, the complement: NPHS1 is on the minus strand). VCF-style: chr19-35848767-C-A. GRCh37 (hg19) VCF-style: chr19-36339669-C-A.
Other names: short protein forms G347V.
Identifiers: ClinVar variation 4536692 (VCV004536692.1).